The following is an entry in ClinVar:

NM_003718.5(CDK13):c.3979G>T (p.Asp1327Tyr)

Gene: CDK13 (cyclin dependent kinase 13; plus strand). Cytogenetic location: 7p14.1.
Variant type: single nucleotide variant.
Coding change: c.3979G>T on transcript NM_003718.5 (MANE Select); coding-DNA position 3979, G replaced by T.
Protein change: p.Asp1327Tyr; replaces aspartic acid 1327 with tyrosine.
Molecular consequence: missense variant.
Genome position (GRCh38, 1-based): chr7:40,094,420, G>T. VCF-style: chr7-40094420-G-T. GRCh37 (hg19) VCF-style: chr7-40134019-G-T.
Other names: c.3979G>T (NM_003718.4); c.3799G>T, p.Asp1267Tyr (NM_031267.4); short protein forms D1267Y, D1327Y.
Identifiers: ClinVar variation 2872996 (VCV002872996.6), dbSNP rs765681990, ClinGen allele CA4229041.

ClinVar aggregate classification (germline): Conflicting classifications of pathogenicity. Review status: criteria provided, conflicting classifications (1 of 4 stars). 3 submissions from 3 submitters: Uncertain significance (2); Likely benign (1). Last evaluated 2024-11-12.

Conditions:
Inborn genetic diseases. Identifiers: MedGen C0950123, MeSH D030342.

Allele frequency attached by ClinVar (database versions not stated): TOPMed below 0.00001; gnomAD 0.00001.

Submissions (3):

Ambry Genetics
Classification: Uncertain significance for Inborn genetic diseases. Last evaluated: 2024-11-12. Review status: criteria provided, single submitter. Criteria: Ambry Variant Classification Scheme 2023. Collection method: clinical testing. Allele origin: germline.

Labcorp Genetics (formerly Invitae), Labcorp
Classification: Uncertain significance. Last evaluated: 2024-04-17. Review status: criteria provided, single submitter. Criteria: Invitae Variant Classification Sherloc (09022015). Collection method: clinical testing. Allele origin: germline.
Comment: This sequence change replaces aspartic acid, which is acidic and polar, with tyrosine, which is neutral and polar, at codon 1327 of the CDK13 protein (p.Asp1327Tyr). This variant is present in population databases (rs765681990, gnomAD 0.0009%). This variant has not been reported in the literature in individuals affected with CDK13-related conditions. Advanced modeling of protein sequence and biophysical properties (such as structural, functional, and spatial information, amino acid conservation, physicochemical variation, residue mobility, and thermodynamic stability) performed at Invitae indicates that this missense variant is not expected to disrupt CDK13 protein function with a negative predictive value of 95%. In summary, the available evidence is currently insufficient to determine the role of this variant in disease. Therefore, it has been classified as a Variant of Uncertain Significance.

Women's Health and Genetics/Laboratory Corporation of America, LabCorp
Classification: Likely benign. Last evaluated: 2024-03-18. Review status: criteria provided, single submitter. Criteria: LabCorp Variant Classification Summary - May 2015. Collection method: clinical testing. Allele origin: germline.
Comment: Variant summary: CDK13 c.3979G>T (p.Asp1327Tyr) results in a non-conservative amino acid change in the encoded protein sequence. Three of five in-silico tools predict a damaging effect of the variant on protein function. The variant allele was found at a frequency of 1.9e-05 in 1,613,920 control chromosomes (i.e. in 31 carriers) in the gnomAD database (v4.0 dataset). The occurrence in several carriers suggests that this variant is likely not associated with a high penetrance, severe, early onset disease phenotype in heterozygous state. To our knowledge, no occurrence of c.3979G>T in individuals affected with Congenital Heart Defects, Dysmorphic Facial Features, And Intellectual Developmental Disorder and no experimental evidence demonstrating its impact on protein function have been reported. ClinVar contains an entry for this variant (Variation ID: 2872996). Based on the evidence outlined above, the variant was classified as likely benign.